The following is an entry in ClinVar:

ClinVar aggregate classification (germline): Likely benign. Review status: criteria provided, multiple submitters, no conflicts (2 of 4 stars). 3 submissions from 3 submitters: Likely benign (3). Last evaluated 2025-05-07.

Conditions:
Hereditary cancer-predisposing syndrome. Also called: Neoplastic Syndromes, Hereditary; Tumor predisposition; Hereditary Cancer Syndrome; Hereditary neoplastic syndrome. Identifiers: Orphanet 140162, MedGen C0027672, MeSH D009386, MONDO:0015356.
Breast-ovarian cancer, familial, susceptibility to, 4. Identifiers: Orphanet 145, MedGen C3280345, MONDO:0013669, OMIM 614291.

Submissions (3):

Labcorp Genetics (formerly Invitae), Labcorp
Classification: Likely benign for Breast-ovarian cancer, familial, susceptibility to, 4. Last evaluated: 2025-05-07. Review status: criteria provided, single submitter. Criteria: Invitae Variant Classification Sherloc (09022015). Collection method: clinical testing. Allele origin: germline.

Women's Health and Genetics/Laboratory Corporation of America, LabCorp
Classification: Likely benign. Last evaluated: 2025-04-29. Review status: criteria provided, single submitter. Criteria: LabCorp Variant Classification Summary - May 2015. Collection method: clinical testing. Allele origin: germline.
Comment: Variant summary: RAD51D c.82+8_82+15delGGTGTGCG alters a nucleotide located at a position not widely known to affect splicing. Consensus agreement among computation tools predicts no significant impact on normal splicing. However, these predictions have yet to be confirmed by functional studies. The variant was absent in 244770 control chromosomes (gnomAD). The available data on variant occurrences in the general population are insufficient to allow any conclusion about variant significance. To our knowledge, no occurrence of c.82+8_82+15delGGTGTGCG in individuals affected with Hereditary Breast And Ovarian Cancer Syndrome and no experimental evidence demonstrating its impact on protein function have been reported. ClinVar contains an entry for this variant (Variation ID: 918605). Based on the evidence outlined above, the variant was classified as likely benign.

Color Diagnostics, LLC DBA Color Health
Classification: Likely benign for Hereditary cancer-predisposing syndrome. Last evaluated: 2018-04-19. Review status: criteria provided, single submitter. Criteria: ACMG Guidelines, 2015. Collection method: clinical testing. Allele origin: germline.

NM_002878.4(RAD51D):c.82+8_82+15del

Genes: RAD51D (RAD51 paralog D; minus strand), RAD51L3-RFFL (RAD51L3-RFFL readthrough; minus strand). Cytogenetic location: 17q12.
Variant type: Deletion.
Coding change: c.82+8_82+15del on transcript NM_002878.4 (MANE Select); bases 8 to 15 of the intron after coding-DNA position 82, 8 bases deleted (GGTGTGCG; older notation c.82+8_82+15delGGTGTGCG).
Molecular consequence: intron variant.
Genome position (GRCh38, 1-based): chr17:35,119,517-35,119,524, CGCACACC deleted on the plus strand (GGTGTGCG on the coding strand, the reverse complement: RAD51D is on the minus strand); deleting any 8 consecutive bases within chr17:35,119,517-35,119,526 gives the same sequence; the c. name uses the placement nearest the transcript's 3' end. VCF-style (leftmost placement, unchanged base first): chr17-35119516-GCGCACACC-G. GRCh37 (hg19) VCF-style: chr17-33446535-GCGCACACC-G.
Other names: c.82+8_82+15del (NM_133629.3, NM_001142571.2); c.82+8_82+15delGGTGTGCG (NM_002878.4).
Identifiers: ClinVar variation 918605 (VCV000918605.10), dbSNP rs1321571652, ClinGen allele CA728366593.
Genomic context (GRCh38, chr17:35,119,516, plus strand): 5'-CAGTGCGCCAGCCCTCGGGGCCTGCCCAGGTTGTGCGAGGCCCGCGCGGCTCCCTGGCAC[GCGCACACC>G]CGGTCACCTGTCTTGATCCTGTGGCTCCTGAGAAGCTGGATCATCTCCTCGGTAAGGCCA-3'